The following is an entry in ClinVar:

ClinVar aggregate classification (germline): Uncertain significance. Review status: criteria provided, multiple submitters, no conflicts (2 of 4 stars). 3 submissions from 3 submitters: Uncertain significance (2). 1 of the submissions does not count toward it. Last evaluated 2025-04-13.

Conditions:
KIDINS220-related disorder. Also called: KIDINS220-related condition.
Inborn genetic diseases. Identifiers: MedGen C0950123, MeSH D030342.

Allele frequency attached by ClinVar (database versions not stated): gnomAD exomes 0.00001 and 0.00002; ExAC 0.00002; gnomAD 0.00002; TOPMed 0.00002.
gnomAD v4.1: 13 of 1,614,002 alleles (0.00081%); highest among the groups gnomAD compares: Admixed American, 0.0083%; no homozygotes.

Submissions (3):

Labcorp Genetics (formerly Invitae), Labcorp
Classification: Uncertain significance. Last evaluated: 2025-04-13. Review status: criteria provided, single submitter. Criteria: Invitae Variant Classification Sherloc (09022015). Collection method: clinical testing. Allele origin: germline.
Comment: This sequence change replaces arginine, which is basic and polar, with tryptophan, which is neutral and slightly polar, at codon 1626 of the KIDINS220 protein (p.Arg1626Trp). This variant is present in population databases (rs757614999, gnomAD 0.003%). This variant has not been reported in the literature in individuals affected with KIDINS220-related conditions. ClinVar contains an entry for this variant (Variation ID: 1474570). An algorithm developed to predict the effect of missense changes on protein structure and function (PolyPhen-2) suggests that this variant is likely to be disruptive. In summary, the available evidence is currently insufficient to determine the role of this variant in disease. Therefore, it has been classified as a Variant of Uncertain Significance.

Ambry Genetics
Classification: Uncertain significance for Inborn genetic diseases. Last evaluated: 2025-03-07. Review status: criteria provided, single submitter. Criteria: Ambry Variant Classification Scheme 2023. Collection method: clinical testing. Allele origin: germline.

PreventionGenetics, part of Exact Sciences
Classification: Uncertain significance for KIDINS220-related condition. Last evaluated: 2024-04-22. Review status: no assertion criteria provided. Collection method: clinical testing. Allele origin: germline. Not counted in ClinVar's aggregate classification.
Comment: The KIDINS220 c.4876C>T variant is predicted to result in the amino acid substitution p.Arg1626Trp. To our knowledge, this variant has not been reported in the literature. This variant is reported in 0.0029% of alleles in individuals of Latino descent in gnomAD. At this time, the clinical significance of this variant is uncertain due to the absence of conclusive functional and genetic evidence.

NM_020738.4(KIDINS220):c.4876C>T (p.Arg1626Trp)

Gene: KIDINS220 (kinase D interacting substrate 220; minus strand). Cytogenetic location: 2p25.1.
Variant type: single nucleotide variant.
Coding change: c.4876C>T on transcript NM_020738.4 (MANE Select); coding-DNA position 4876, C replaced by T.
Protein change: p.Arg1626Trp; replaces arginine 1626 with tryptophan.
Molecular consequence: missense variant. On other transcripts: intron variant (6).
Genome position (GRCh38, 1-based): chr2:8,731,160, G>A on the plus strand (C>T on the coding strand, the complement: KIDINS220 is on the minus strand). VCF-style: chr2-8731160-G-A. GRCh37 (hg19) VCF-style: chr2-8871290-G-A.
Other names: c.4876C>T (NM_020738.2); c.4879C>T, p.Arg1627Trp (NM_001348729.2); c.4822C>T, p.Arg1608Trp (NM_001348731.2); c.4819C>T, p.Arg1607Trp (NM_001348732.2); c.4708C>T, p.Arg1570Trp (NM_001348734.2); c.4705C>T, p.Arg1569Trp (NM_001348735.2); c.4579C>T, p.Arg1527Trp (NM_001348736.2); c.3882+2284C>T (NM_001348741.2, NM_001348742.2, NM_001348743.2); and 2 more; short protein forms R1527W, R1626W, R1627W, R1569W, R1570W, R1607W, R1608W.
Identifiers: ClinVar variation 1474570 (VCV001474570.8), dbSNP rs757614999, ClinGen allele CA1519293.
Genomic context (GRCh38, chr2:8,731,160, plus strand): 5'-AAATGGACATCCGAGCTATAATTGGATCTTGCAGGCCACTCAGGCTATGTGGGATTCCCC[G>A]CTTTCCGCTGTGACTGTCATCTTCCAGCTCTATGAGATTTGCCTTTTCAAGCTGGGAGTC-3'
Protein context (NP_065789.1, residues 1616-1636): ELEDDSHSGK[Arg1626Trp]GIPHSLSGLQ